The following is an entry in ClinVar:

ClinVar aggregate classification (germline): Pathogenic. Review status: criteria provided, single submitter (1 of 4 stars). 2 submissions from 2 submitters: Pathogenic (1). 1 of the submissions does not count toward it. Last evaluated 2022-10-06.

Conditions:
WT1-related disorder. Also called: WT1-related disorders. Identifiers: MedGen CN377814.
Drash syndrome (DDS). Also called: NEPHROPATHY, WILMS TUMOR, AND GENITAL ANOMALIES; WILMS TUMOR AND PSEUDO- OR TRUE HERMAPHRODITISM. Identifiers: Orphanet 220, MedGen C0950121, MONDO:0008682, OMIM 194080.

Submissions (2):

PreventionGenetics, part of Exact Sciences
Classification: Pathogenic for WT1-related condition. Last evaluated: 2022-10-06. Review status: criteria provided, single submitter. Criteria: ACMG Guidelines, 2015. Collection method: clinical testing. Allele origin: germline.
Comment: The WT1 c.1385G>C variant is predicted to result in the amino acid substitution p.Arg462Pro. This variant is alternatively referred to as p.Arg394Pro using Legacy nomenclature. It is also referred to as NM_024426.6:c.1400G>C (p.Arg467Pro) using an updated version of this transcript. This variant has been reported in individuals with Denys-Drash syndrome (Fig. 3, Bruening et al. 1992. PubMed ID: 1302008; Table S1, Lehnhardt. 2015. PubMed ID: 25818337). This variant has not been reported in a large population database, indicating this variant is rare. Alternate nucleotide changes affecting the same amino acid (p.Arg462Gln, p.Arg462Gly, p.Arg462Leu, and p.Arg462Trp) have been reported in individuals with WT1-related disease (Table 1, Pelletier et al. 1991. PubMed ID: 1655284; Jeanpierre et al. 1998. PubMed ID: 9529364; Royer-Pokora et al. 2004. PubMed ID: 15150775; Table 1, Chernin et al. 2010. PubMed ID: 20595692; Table S1, Lehnhardt. 2015. PubMed ID: 25818337). Of note, the alternate p.Arg462Trp (aka p.Arg467Trp) change is reported to be a hotspot variant for Denys-Drash syndrome (Table 6, Lipska-Zietkiewicz et al. 2020. PubMed ID: 32352694). The c.1385G>C (p.Arg462Pro) variant is interpreted as pathogenic.

OMIM
Classification: Pathogenic for DENYS-DRASH SYNDROME. Last evaluated: 1992-05-01. Review status: no assertion criteria provided. Collection method: literature only. Allele origin: germline. Not counted in ClinVar's aggregate classification.

Literature cited by the submitters: PubMed 1302008 (cited by OMIM).

NM_024426.6(WT1):c.1400G>C (p.Arg467Pro)

Gene: WT1 (WT1 transcription factor; minus strand). Cytogenetic location: 11p13.
Variant type: single nucleotide variant.
Coding change: c.1400G>C on transcript NM_024426.6 (MANE Select); coding-DNA position 1400, G replaced by C.
Protein change: p.Arg467Pro; replaces arginine 467 with proline.
Molecular consequence: missense variant. On other transcripts: non-coding transcript variant (1).
Genome position (GRCh38, 1-based): chr11:32,392,019, C>G on the plus strand (G>C on the coding strand, the complement: WT1 is on the minus strand). VCF-style: chr11-32392019-C-G. GRCh37 (hg19) VCF-style: chr11-32413565-C-G.
Other names: R394P; c.1385G>C (NM_024426.4); c.1349G>C, p.Arg450Pro (NM_000378.6, NM_001407045.1); c.749G>C, p.Arg250Pro (NM_001198551.2); c.698G>C, p.Arg233Pro (NM_001198552.2); c.212G>C, p.Arg71Pro (NM_001367854.1); c.1394G>C, p.Arg465Pro (NM_001407044.1); c.1277G>C, p.Arg426Pro (NM_001407047.1); and 5 more; short protein forms R250P, R450P, R467P, R71P, R233P, R213P, R420P, R426P.
Identifiers: ClinVar variation 3491 (VCV000003491.3), dbSNP rs121907903, ClinGen allele CA016330.